The following is an entry in ClinVar:

NM_000222.3(KIT):c.692T>C (p.Val231Ala)

Gene: KIT (KIT proto-oncogene, receptor tyrosine kinase; plus strand). Cytogenetic location: 4q12.
Variant type: single nucleotide variant.
Coding change: c.692T>C on transcript NM_000222.3 (MANE Select); coding-DNA position 692, T replaced by C.
Protein change: p.Val231Ala; replaces valine 231 with alanine.
Molecular consequence: missense variant.
Genome position (GRCh38, 1-based): chr4:54,699,702, T>C. VCF-style: chr4-54699702-T-C. GRCh37 (hg19) VCF-style: chr4-55565868-T-C.
Other names: c.692T>C, p.Val231Ala (NM_001093772.2, NM_001385284.1, NM_001385285.1 and 4 more transcripts); short protein forms V231A.
Identifiers: ClinVar variation 3656691 (VCV003656691.2).
Genomic context (GRCh38, chr4:54,699,702, plus strand): 5'-TGCCTGTTGTGTCTGTGTCCAAAGCAAGCTATCTTCTTAGGGAAGGGGAAGAATTCACAG[T>C]GACGTGCACAATAAAAGATGTGTCTAGTTCTGTGTACTCAACGTGGAAAAGAGAAAACAG-3'
Protein context (NP_000213.1, residues 221-241): YLLREGEEFT[Val231Ala]TCTIKDVSSS

ClinVar aggregate classification (germline): Uncertain significance (1 of 4 stars; one submission).

Conditions:
Gastrointestinal stromal tumor. Also called: Gastrointestinal stromal tumor, somatic; Gastrointestinal stroma tumor. Identifiers: Orphanet 44890, MedGen C0238198, MeSH D046152, MONDO:0011719, OMIM 606764, HP:0100723.

gnomAD v4.1: 1 of 1,614,026 alleles (0.000062%); highest among the groups gnomAD compares: Non-Finnish European, 0.000085%; no homozygotes.

Submission:

Labcorp Genetics (formerly Invitae), Labcorp
Classification: Uncertain significance for Gastrointestinal stromal tumor. Last evaluated: 2024-06-15. Review status: criteria provided, single submitter. Criteria: Invitae Variant Classification Sherloc (09022015). Collection method: clinical testing. Allele origin: germline.
Comment: This sequence change replaces valine, which is neutral and non-polar, with alanine, which is neutral and non-polar, at codon 231 of the KIT protein (p.Val231Ala). This variant is not present in population databases (gnomAD no frequency). This variant has not been reported in the literature in individuals affected with KIT-related conditions. An algorithm developed to predict the effect of missense changes on protein structure and function (PolyPhen-2) suggests that this variant is likely to be disruptive. In summary, the available evidence is currently insufficient to determine the role of this variant in disease. Therefore, it has been classified as a Variant of Uncertain Significance.